The following is an entry in ClinVar:

ClinVar aggregate classification (germline): Pathogenic (1 of 4 stars; one submission).

Submission:

Baylor Genetics
Classification: Pathogenic. Last evaluated: 2018-11-01. Review status: criteria provided, single submitter. Criteria: ACMG CNV Guidelines, 2011. Collection method: clinical testing. Allele origin: germline. Affected: no. Observed: 1 variant allele.
Comment: This 16p13.11 microduplication is associated with varied clinical features including behavioral abnormalities, cognitive impairment, congenital heart defects and skeletal manifestations [PMID:21150890]

GRCh37/hg19 16p13.11(chr16:15125627-16286750)

Genes: BMERB1 (bMERB domain containing 1; plus strand), CEP20 (centrosomal protein 20; minus strand), MARF1 (meiosis regulator and mRNA stability factor 1; minus strand), ABCC1 (ATP binding cassette subfamily C member 1 (ABCC1 blood group); plus strand), ABCC6 (ATP binding cassette subfamily C member 6; minus strand) and 7 more. Cytogenetic location: 16p13.11.
Variant type: copy number gain.
Identifiers: ClinVar variation 625569 (VCV000625569.1).